The following is an entry in ClinVar:

ClinVar aggregate classification (germline): Pathogenic/Likely pathogenic. Review status: criteria provided, multiple submitters, no conflicts (2 of 4 stars). 2 submissions from 2 submitters: Pathogenic (1); Likely pathogenic (1). Last evaluated 2024-09-04.

Conditions:
Familial dysautonomia. Also called: FD; HSAN III. Identifiers: Orphanet 1764, MedGen C0013364, MONDO:0009131, OMIM 223900. Disease mechanism: loss of function.

Submissions (2):

Natera, Inc.
Classification: Likely pathogenic for Familial dysautonomia. Last evaluated: 2024-09-04. Review status: criteria provided, single submitter. Criteria: Natera Variant Classification Schema (03/2026). Collection method: clinical testing. Allele origin: germline.
Comment: The c.3252delA variant in ELP1 is a frameshift variant predicted to shift the reading frame beginning at codon 1085 and leads to a stop codon 9 codons downstream. This variant is expected to result in nonsense mediated decay, truncation, or a dysfunctional protein product. This variant is rare in the general population with a frequency below the threshold expected for the associated phenotype(s). Given the available evidence, this variant is classified as Likely Pathogenic.

Labcorp Genetics (formerly Invitae), Labcorp
Classification: Pathogenic. Last evaluated: 2022-04-26. Review status: criteria provided, single submitter. Criteria: Invitae Variant Classification Sherloc (09022015). Collection method: clinical testing. Allele origin: germline.
Comment: For these reasons, this variant has been classified as Pathogenic. This variant has not been reported in the literature in individuals affected with ELP1-related conditions. This variant is not present in population databases (gnomAD no frequency). This sequence change creates a premature translational stop signal (p.Glu1085Lysfs*9) in the ELP1 gene. It is expected to result in an absent or disrupted protein product. Loss-of-function variants in ELP1 are known to be pathogenic (PMID: 18303054, 24173031).

Literature cited by the submitters: PubMed 18303054 (cited by Labcorp Genetics (formerly Invitae), Labcorp); PubMed 24173031 (cited by Labcorp Genetics (formerly Invitae), Labcorp).

NM_003640.5(ELP1):c.3252del (p.Glu1085fs)

Gene: ELP1 (elongator acetyltransferase complex subunit 1; minus strand). Cytogenetic location: 9q31.3.
Variant type: Deletion.
Coding change: c.3252del on transcript NM_003640.5 (MANE Select); coding-DNA position 3252, one base deleted (A; older notation c.3252delA).
Protein change: p.Glu1085fs; shifts the reading frame from glutamic acid 1085.
Molecular consequence: frameshift variant.
Genome position (GRCh38, 1-based): chr9:108,882,158, T deleted on the plus strand (A on the coding strand, the reverse complement: ELP1 is on the minus strand). VCF-style (leftmost placement, unchanged base first): chr9-108882157-CT-C. GRCh37 (hg19) VCF-style: chr9-111644437-CT-C.
Other names: c.3252delA (NM_003640.4); c.2910del, p.Glu971fs (NM_001318360.2); c.2205del, p.Glu736fs (NM_001330749.2); short protein forms E1085fs, E736fs, E971fs.
Identifiers: ClinVar variation 2147332 (VCV002147332.5), dbSNP rs2537863407, ClinGen allele CA2580079406.